The following is an entry in ClinVar:

ClinVar aggregate classification (germline): Benign (3 of 4 stars; one submission).

Conditions:
Breast-ovarian cancer, familial, susceptibility to, 1 (BROVCA1). Also called: BRCA1 Hereditary Breast and Ovarian Cancer; OVARIAN CANCER, SUSCEPTIBILITY TO. Identifiers: Orphanet 145, MedGen C2676676, MONDO:0011450, OMIM 604370. Disease mechanism: loss of function.

Allele frequency attached by ClinVar (database versions not stated): gnomAD 0.00002 and 0.00056; TOPMed 0.00009; 1000 Genomes Project 30x 0.00515; 1000 Genomes Project 0.00619.
gnomAD v4.1: 83 of 152,066 alleles (0.055%); highest among the groups gnomAD compares: South Asian, 1.7%; 4 homozygotes.

Submission:

Evidence-based Network for the Interpretation of Germline Mutant Alleles (ENIGMA)
Classification: Benign for Breast-ovarian cancer, familial, susceptibility to, 1. Last evaluated: 2016-09-28. Review status: reviewed by expert panel. Criteria: ENIGMA BRCA1/2 Classification Criteria (2015). Collection method: curation. Allele origin: germline.
Comment: Class 1 not pathogenic based on frequency >1% in an outbred sampleset. Frequency 0.0317 (South Asian), derived from 1000 genomes (2013-05-02).

NM_007294.4(BRCA1):c.5278-464G>A

Gene: BRCA1 (BRCA1 DNA repair associated; minus strand). Cytogenetic location: 17q21.31.
Variant type: single nucleotide variant.
Coding change: c.5278-464G>A on transcript NM_007294.4 (MANE Select); 464 bases into the intron before coding-DNA position 5278, G replaced by A.
Molecular consequence: intron variant.
Genome position (GRCh38, 1-based): chr17:43,051,581, C>T on the plus strand (G>A on the coding strand, the complement: BRCA1 is on the minus strand). VCF-style: chr17-43051581-C-T. GRCh37 (hg19) VCF-style: chr17-41203598-C-T.
Other names: c.1825-464G>A (NM_001408458.1, NM_001408461.1, NM_001408464.1 and 7 more transcripts); c.4387-464G>A (NM_001407967.1); c.4897-464G>A (NM_001407959.1); c.5011-464G>A (NM_001407931.1, NM_001407932.1, NM_001407928.1 and 4 more transcripts); c.5134-464G>A (NM_001407747.1, NM_001407745.1, NM_001407737.1 and 21 more transcripts); c.4894-464G>A (NM_001407962.1, NM_001407960.1); c.1465-464G>A (NM_001408512.1); c.1588-464G>A (NM_001408510.1); and 74 more.
Identifiers: ClinVar variation 264794 (VCV000264794.2), dbSNP rs545723152, ClinGen allele CA10588185.